The following is an entry in ClinVar:

NM_006206.6(PDGFRA):c.1277G>C (p.Gly426Ala)

Gene: PDGFRA (platelet derived growth factor receptor alpha; plus strand). Cytogenetic location: 4q12.
Variant type: single nucleotide variant.
Coding change: c.1277G>C on transcript NM_006206.6 (MANE Select); coding-DNA position 1277, G replaced by C.
Protein change: p.Gly426Ala; replaces glycine 426 with alanine.
Molecular consequence: missense variant.
Genome position (GRCh38, 1-based): chr4:54,272,433, G>C. VCF-style: chr4-54272433-G-C. GRCh37 (hg19) VCF-style: chr4-55138600-G-C.
Other names: c.1277G>C, p.Gly426Ala (NM_001347827.2, NM_001347829.2); c.1352G>C, p.Gly451Ala (NM_001347828.2); c.1316G>C, p.Gly439Ala (NM_001347830.2); short protein forms G451A, G426A, G439A.
Identifiers: ClinVar variation 4665423 (VCV004665423.1).

ClinVar aggregate classification (germline): Uncertain significance (1 of 4 stars; one submission).

Conditions:
Hereditary cancer-predisposing syndrome. Also called: Neoplastic Syndromes, Hereditary; Tumor predisposition; Hereditary Cancer Syndrome; Hereditary neoplastic syndrome. Identifiers: Orphanet 140162, MedGen C0027672, MeSH D009386, MONDO:0015356.

Submission:

Ambry Genetics
Classification: Uncertain significance for Hereditary cancer-predisposing syndrome. Last evaluated: 2025-12-02. Review status: criteria provided, single submitter. Criteria: Ambry Variant Classification Scheme 2023. Collection method: clinical testing. Allele origin: germline.
Comment: The p.G426A variant (also known as c.1277G>C), located in coding exon 8 of the PDGFRA gene, results from a G to C substitution at nucleotide position 1277. The glycine at codon 426 is replaced by alanine, an amino acid with similar properties. This amino acid position is highly conserved in available vertebrate species. In addition, this alteration is predicted to be tolerated by in silico analysis. Based on the available evidence, the clinical significance of this variant remains unclear.